The following is an entry in ClinVar:

NM_002474.3(MYH11):c.2289A>G (p.Ile763Met)

Gene: MYH11 (myosin heavy chain 11; minus strand). Cytogenetic location: 16p13.11.
Variant type: single nucleotide variant.
Coding change: c.2289A>G on transcript NM_002474.3 (MANE Select); coding-DNA position 2289, A replaced by G.
Protein change: p.Ile763Met; replaces isoleucine 763 with methionine.
Molecular consequence: missense variant.
Genome position (GRCh38, 1-based): chr16:15,747,692, T>C on the plus strand (A>G on the coding strand, the complement: MYH11 is on the minus strand). VCF-style: chr16-15747692-T-C. GRCh37 (hg19) VCF-style: chr16-15841549-T-C.
Other names: c.2310A>G, p.Ile770Met (NM_001040113.2, NM_001040114.2); c.2289A>G, p.Ile763Met (NM_022844.3); short protein forms I770M, I763M.
Identifiers: ClinVar variation 493173 (VCV000493173.50), dbSNP rs912543441, ClinGen allele CA278636624.

ClinVar aggregate classification (germline): Uncertain significance. Review status: criteria provided, multiple submitters, no conflicts (2 of 4 stars). 4 submissions from 4 submitters: Uncertain significance (4). Last evaluated 2025-10-06.

Conditions:
Familial thoracic aortic aneurysm and aortic dissection (TAAD). Also called: Thoracic aortic aneurysms and dissections. Identifiers: Orphanet 91387, MedGen C4707243, MONDO:0019625.
Aortic aneurysm, familial thoracic 4 (AAT4). Also called: AORTIC ANEURYSM/AORTIC DISSECTION AND PATENT DUCTUS ARTERIOSUS. Identifiers: MedGen C1851504, MONDO:0007568, OMIM 132900.

Allele frequency attached by ClinVar (database versions not stated): gnomAD exomes below 0.00001; TOPMed below 0.00001.
gnomAD v4.1: 4 of 1,614,102 alleles (0.00025%); highest among the groups gnomAD compares: Middle Eastern, 0.017%; no homozygotes.

Submissions (4):

Labcorp Genetics (formerly Invitae), Labcorp
Classification: Uncertain significance for Aortic aneurysm, familial thoracic 4. Last evaluated: 2025-10-06. Review status: criteria provided, single submitter. Criteria: Invitae Variant Classification Sherloc (09022015). Collection method: clinical testing. Allele origin: germline.
Comment: This sequence change replaces isoleucine, which is neutral and non-polar, with methionine, which is neutral and non-polar, at codon 770 of the MYH11 protein (p.Ile770Met). This variant is present in population databases (no rsID available, gnomAD 0.0009%). This variant has not been reported in the literature in individuals affected with MYH11-related conditions. ClinVar contains an entry for this variant (Variation ID: 493173). Invitae Evidence Modeling of protein sequence and biophysical properties (such as structural, functional, and spatial information, amino acid conservation, physicochemical variation, residue mobility, and thermodynamic stability) indicates that this missense variant is not expected to disrupt MYH11 protein function with a negative predictive value of 95%. In summary, the available evidence is currently insufficient to determine the role of this variant in disease. Therefore, it has been classified as a Variant of Uncertain Significance.

Color Diagnostics, LLC DBA Color Health
Classification: Uncertain significance for Familial thoracic aortic aneurysm and aortic dissection. Last evaluated: 2024-03-06. Review status: criteria provided, single submitter. Criteria: ACMG Guidelines, 2015. Collection method: clinical testing. Allele origin: germline.
Comment: This missense variant replaces isoleucine with methionine at codon 770 of the MYH11 protein. Computational prediction is inconclusive regarding the impact of this variant on protein structure and function (internally defined REVEL score threshold 0.5 < inconclusive < 0.7, PMID: 27666373). To our knowledge, functional studies have not been reported for this variant. This variant has not been reported in individuals affected with MYH11-related disorders in the literature. This variant has been identified in 1/251490 chromosomes in the general population by the Genome Aggregation Database (gnomAD). The available evidence is insufficient to determine the role of this variant in disease conclusively. Therefore, this variant is classified as a Variant of Uncertain Significance.

All of Us Research Program, National Institutes of Health
Classification: Uncertain significance for Familial thoracic aortic aneurysm and aortic dissection. Last evaluated: 2023-09-04. Review status: criteria provided, single submitter. Criteria: ACMG Guidelines, 2015. Collection method: clinical testing. Allele origin: germline. Inheritance: Autosomal dominant inheritance. Observed: 1 variant allele, 1 heterozygote.
Comment: This missense variant replaces isoleucine with methionine at codon 770 of the MYH11 protein. Computational prediction tool is inconclusive regarding the impact of this variant on protein structure and function (internally defined REVEL score threshold 0.5 < inconclusive < 0.7, PMID: 27666373). Splice site prediction tools suggest that this variant may not impact RNA splicing. To our knowledge, functional studies have not been performed for this variant. This variant has not been reported in individuals affected with cardiovascular disorders in the literature. This variant has been identified in 1/251490 chromosomes in the general population by the Genome Aggregation Database (gnomAD). The available evidence is insufficient to determine the role of this variant in disease conclusively. Therefore, this variant is classified as a Variant of Uncertain Significance.

This study involves interpretation of variants in research participants for the purpose of population health screening. Participant phenotype was not available at the time of variant classification. Additional details can be found in publication PMID: 35346344, PMCID: PMC8962531

CeGaT Center for Human Genetics Tuebingen
Classification: Uncertain significance. Last evaluated: 2017-07-01. Review status: criteria provided, single submitter. Criteria: CeGaT Center For Human Genetics Tuebingen Variant Classification Criteria Version 2. Collection method: clinical testing. Allele origin: germline. Affected: yes. Observed: 1 variant allele.